The following is an entry in ClinVar:

NM_002637.4(PHKA1):c.2708T>A (p.Met903Lys)

Gene: PHKA1 (phosphorylase kinase regulatory subunit alpha 1; minus strand). Cytogenetic location: Xq13.1.
Variant type: single nucleotide variant.
Coding change: c.2708T>A on transcript NM_002637.4 (MANE Select); coding-DNA position 2708, T replaced by A.
Protein change: p.Met903Lys; replaces methionine 903 with lysine.
Molecular consequence: missense variant.
Genome position (GRCh38, 1-based): chrX:72,605,378, A>T on the plus strand (T>A on the coding strand, the complement: PHKA1 is on the minus strand). VCF-style: chrX-72605378-A-T. GRCh37 (hg19) VCF-style: chrX-71825228-A-T.
Other names: c.2708T>A, p.Met903Lys (NM_001122670.2); c.2531T>A, p.Met844Lys (NM_001172436.2); short protein forms M903K, M844K.
Identifiers: ClinVar variation 2772140 (VCV002772140.3), dbSNP rs2522420172, ClinGen allele CA413589092.
Genomic context (GRCh38, chrX:72,605,378, plus strand): 5'-ATCAGACCAATTCGAAGTCGAAACATTTCAGCAAAGAGGCCAGGCTGGGTTCGCATATAC[A>T]TGGCTAGATATACCATTATTTCCTGCACACAGAGTAGATATAGACAAAAATAATGGCCTA-3'
Protein context (NP_002628.2, residues 893-913): LTQEIMVYLA[Met903Lys]YMRTQPGLFA

ClinVar aggregate classification (germline): Uncertain significance (1 of 4 stars; one submission).

Conditions:
Glycogen storage disease IXd (GSD9D). Also called: Muscle Phosphorylase Kinase Deficiency; GSD IXd. Identifiers: Orphanet 715, MedGen C1845151, MONDO:0010362, OMIM 300559.

Allele frequency attached by ClinVar (database versions not stated): gnomAD exomes below 0.00001.
gnomAD v4.1: 1 of 1,208,856 alleles (0.000083%); highest among the groups gnomAD compares: South Asian, 0.0018%; no homozygotes.

Submission:

Labcorp Genetics (formerly Invitae), Labcorp
Classification: Uncertain significance for Glycogen storage disease IXd. Last evaluated: 2023-06-05. Review status: criteria provided, single submitter. Criteria: Invitae Variant Classification Sherloc (09022015). Collection method: clinical testing. Allele origin: germline.
Comment: This sequence change replaces methionine, which is neutral and non-polar, with lysine, which is basic and polar, at codon 903 of the PHKA1 protein (p.Met903Lys). This variant is not present in population databases (gnomAD no frequency). This variant has not been reported in the literature in individuals affected with PHKA1-related conditions. Advanced modeling of protein sequence and biophysical properties (such as structural, functional, and spatial information, amino acid conservation, physicochemical variation, residue mobility, and thermodynamic stability) performed at Invitae indicates that this missense variant is expected to disrupt PHKA1 protein function. In summary, the available evidence is currently insufficient to determine the role of this variant in disease. Therefore, it has been classified as a Variant of Uncertain Significance.